The following is an entry in ClinVar:

NM_014704.4(CEP104):c.1015C>A (p.Pro339Thr)

Gene: CEP104 (centrosomal protein 104; minus strand). Cytogenetic location: 1p36.32.
Variant type: single nucleotide variant.
Coding change: c.1015C>A on transcript NM_014704.4 (MANE Select); coding-DNA position 1015, C replaced by A.
Protein change: p.Pro339Thr; replaces proline 339 with threonine.
Molecular consequence: missense variant.
Genome position (GRCh38, 1-based): chr1:3,837,396, G>T on the plus strand (C>A on the coding strand, the complement: CEP104 is on the minus strand). VCF-style: chr1-3837396-G-T. GRCh37 (hg19) VCF-style: chr1-3753960-G-T.
Other names: short protein forms P339T.
Identifiers: ClinVar variation 3376359 (VCV003376359.1).

ClinVar aggregate classification (germline): Uncertain significance (1 of 4 stars; one submission).

Conditions:
Intellectual developmental disorder, autosomal recessive 77 (MRT77). Identifiers: MedGen C5774193, MONDO:0031031, OMIM 619988.

gnomAD v4.1: 6 of 1,614,100 alleles (0.00037%); highest among the groups gnomAD compares: African/African-American, 0.0067%; no homozygotes.

Submission:

Pittsburgh Clinical Genomics Laboratory, University of Pittsburgh Medical Center
Classification: Uncertain significance for Intellectual developmental disorder, autosomal recessive 77. Last evaluated: 2024-02-07. Review status: criteria provided, single submitter. Criteria: ACMG Guidelines, 2015. Collection method: clinical testing. Allele origin: germline. Inheritance: Autosomal recessive inheritance. Affected: yes.
Comment: This sequence variant is a single nucleotide substitution (C>A) at position 1015 of the coding sequence of the CEP104 gene that results in a proline to threonine amino acid change at residue 339 of the centrosomal protein 104 protein. This variant is absent from ClinVar and has not been observed in the literature in individuals affected by CEP104-related disease, to our knowledge. This variant is present in 2 of 403676 alleles (0.0005%) in the gnomAD population dataset. Multiple bioinformatic tools predict that this amino acid change would be neutral, and the Pro339 residue at this position is moderately conserved across the vertebrate species examined. Studies examining the functional consequence of this variant have not been performed, to our knowledge. At this time, there is insufficient evidence to determine if this variant is pathogenic or benign. Therefore, we consider this a variant of uncertain significance. ACMG Criteria: BP1, BP4, PM2